The following is an entry in ClinVar:

NM_019055.6(ROBO4):c.2326C>T (p.Arg776Cys)

Gene: ROBO4 (roundabout guidance receptor 4; minus strand). Cytogenetic location: 11q24.2.
Variant type: single nucleotide variant.
Coding change: c.2326C>T on transcript NM_019055.6 (MANE Select); coding-DNA position 2326, C replaced by T.
Protein change: p.Arg776Cys; replaces arginine 776 with cysteine.
Molecular consequence: missense variant.
Genome position (GRCh38, 1-based): chr11:124,887,086, G>A on the plus strand (C>T on the coding strand, the complement: ROBO4 is on the minus strand). VCF-style: chr11-124887086-G-A. GRCh37 (hg19) VCF-style: chr11-124756982-G-A.
Other names: c.1891C>T, p.Arg631Cys (NM_001301088.2); short protein forms R631C, R776C.
Identifiers: ClinVar variation 790460 (VCV000790460.12), dbSNP rs138481093, ClinGen allele CA6344624.

ClinVar aggregate classification (germline): Benign/Likely benign. Review status: criteria provided, multiple submitters, no conflicts (2 of 4 stars). 4 submissions from 4 submitters: Benign (1); Likely benign (3). Last evaluated 2026-06-01.

Conditions:
Familial thoracic aortic aneurysm and aortic dissection (TAAD). Also called: Thoracic aortic aneurysms and dissections. Identifiers: Orphanet 91387, MedGen C4707243, MONDO:0019625.

Allele frequency attached by ClinVar (database versions not stated): 1000 Genomes Project 0.00200; 1000 Genomes Project 30x 0.00219; gnomAD 0.00467 and 0.00500; gnomAD exomes 0.00472 and 0.00699; ExAC 0.00497; TOPMed 0.00549; ESP Exome Variant Server 0.00577.

Submissions (4):

CeGaT Center for Human Genetics Tuebingen
Classification: Likely benign. Last evaluated: 2026-06-01. Review status: criteria provided, single submitter. Criteria: CeGaT Center For Human Genetics Tuebingen Variant Classification Criteria Version 2. Collection method: clinical testing. Allele origin: germline. Affected: yes. Observed: 3 variant alleles.
Comment: ROBO4: BP4, BS2

CHEO Genetics Diagnostic Laboratory, Children's Hospital of Eastern Ontario
Classification: Benign for Familial thoracic aortic aneurysm and aortic dissection. Last evaluated: 2023-03-31. Review status: criteria provided, single submitter. Criteria: ACMG Guidelines, 2015. Collection method: clinical testing. Allele origin: germline.

Labcorp Genetics (formerly Invitae), Labcorp
Classification: Likely benign. Last evaluated: 2019-12-31. Review status: criteria provided, single submitter. Criteria: Invitae Variant Classification Sherloc (09022015). Collection method: clinical testing. Allele origin: germline.

Breakthrough Genomics
Classification: Likely benign. Review status: criteria provided, single submitter. Criteria: ACMG Guidelines, 2015. Collection method: not provided. Allele origin: germline. Inheritance: Autosomal dominant inheritance. Affected: yes.